The following is an entry in ClinVar:

NM_000548.5(TSC2):c.3185T>C (p.Val1062Ala)

Gene: TSC2 (TSC complex subunit 2; plus strand). Cytogenetic location: 16p13.3.
Variant type: single nucleotide variant.
Coding change: c.3185T>C on transcript NM_000548.5 (MANE Select); coding-DNA position 3185, T replaced by C.
Protein change: p.Val1062Ala; replaces valine 1062 with alanine.
Molecular consequence: missense variant.
Genome position (GRCh38, 1-based): chr16:2,079,329, T>C. VCF-style: chr16-2079329-T-C. GRCh37 (hg19) VCF-style: chr16-2129330-T-C.
Other names: c.3056T>C, p.Val1019Ala (NM_001370405.1, NM_021055.3, NM_001363528.2); c.3182T>C, p.Val1061Ala (NM_001406663.1, NM_001406664.1); c.3053T>C, p.Val1018Ala (NM_001406665.1, NM_001077183.3, NM_001370404.1); c.3146T>C, p.Val1049Ala (NM_001406667.1); c.3143T>C, p.Val1048Ala (NM_001406668.1); c.3074T>C, p.Val1025Ala (NM_001406670.1); c.3044T>C, p.Val1015Ala (NM_001406671.1); c.3041T>C, p.Val1014Ala (NM_001406673.1); and 18 more; short protein forms V1012A, V1013A, V1014A, V1015A, V1018A, V1019A, V1025A, V1029A.
Identifiers: ClinVar variation 1713547 (VCV001713547.8), dbSNP rs2151438305, ClinGen allele CA394285577.

ClinVar aggregate classification (germline): Uncertain significance. Review status: criteria provided, multiple submitters, no conflicts (2 of 4 stars). 2 submissions from 2 submitters: Uncertain significance (2). Last evaluated 2026-07-06.

Conditions:
Hereditary cancer-predisposing syndrome. Also called: Tumor predisposition; Hereditary neoplastic syndrome; Neoplastic Syndromes, Hereditary; Hereditary Cancer Syndrome. Identifiers: Orphanet 140162, MedGen C0027672, MeSH D009386, MONDO:0015356.
Tuberous sclerosis 2 (TSC2). Identifiers: Orphanet 805, MedGen C1860707, MONDO:0013199, OMIM 613254.

Submissions (2):

Ambry Genetics
Classification: Uncertain significance for Hereditary cancer-predisposing syndrome. Last evaluated: 2026-07-06. Review status: criteria provided, single submitter. Criteria: Ambry Variant Classification Scheme 2023. Collection method: clinical testing. Allele origin: germline.
Comment: The p.V1062A variant (also known as c.3185T>C), located in coding exon 27 of the TSC2 gene, results from a T to C substitution at nucleotide position 3185. The valine at codon 1062 is replaced by alanine, an amino acid with similar properties. This amino acid position is conserved. In addition, this alteration is predicted to be deleterious by in silico analysis. Based on the available evidence, the clinical significance of this variant remains unclear.

Labcorp Genetics (formerly Invitae), Labcorp
Classification: Uncertain significance for Tuberous sclerosis 2. Last evaluated: 2022-10-28. Review status: criteria provided, single submitter. Criteria: Invitae Variant Classification Sherloc (09022015). Collection method: clinical testing. Allele origin: germline.
Comment: This sequence change replaces valine, which is neutral and non-polar, with alanine, which is neutral and non-polar, at codon 1062 of the TSC2 protein (p.Val1062Ala). This variant is not present in population databases (gnomAD no frequency). This variant has not been reported in the literature in individuals affected with TSC2-related conditions. Advanced modeling of protein sequence and biophysical properties (such as structural, functional, and spatial information, amino acid conservation, physicochemical variation, residue mobility, and thermodynamic stability) performed at Invitae indicates that this missense variant is not expected to disrupt TSC2 protein function. In summary, the available evidence is currently insufficient to determine the role of this variant in disease. Therefore, it has been classified as a Variant of Uncertain Significance.